The following is an entry in ClinVar:

NM_201596.3(CACNB2):c.1024A>G (p.Ile342Val)

Gene: CACNB2 (calcium voltage-gated channel auxiliary subunit beta 2; plus strand). Cytogenetic location: 10p12.31.
Variant type: single nucleotide variant.
Coding change: c.1024A>G on transcript NM_201596.3 (MANE Select); coding-DNA position 1024, A replaced by G.
Protein change: p.Ile342Val; replaces isoleucine 342 with valine.
Molecular consequence: missense variant.
Genome position (GRCh38, 1-based): chr10:18,527,667, A>G. VCF-style: chr10-18527667-A-G. GRCh37 (hg19) VCF-style: chr10-18816596-A-G.
Other names: c.859A>G, p.Ile287Val (NM_000724.4); c.826A>G, p.Ile276Val (NM_001167945.2); c.745A>G, p.Ile249Val (NM_001330060.2); c.766A>G, p.Ile256Val (NM_001410882.1); c.880A>G, p.Ile294Val (NM_201570.3); c.940A>G, p.Ile314Val (NM_201571.4); c.868A>G, p.Ile290Val (NM_201572.4); c.862A>G, p.Ile288Val (NM_201590.3); and 2 more; short protein forms I256V, I290V, I304V, I314V, I288V, I318V, I342V, I287V.
Identifiers: ClinVar variation 4750715 (VCV004750715.1).
Genomic context (GRCh38, chr10:18,527,667, plus strand): 5'-ACCGCTGACATCTCGCTTGCCAAACGCTCGGTATTAAACAATCCCAGTAAGCACGCAATA[A>G]TAGAAAGATCCAACACAAGGTCAAGCTTAGGTAAGTCTGTGCAATGAGCTTAAGCTTTTT-3'
Protein context (NP_963890.2, residues 332-352): VLNNPSKHAI[Ile342Val]ERSNTRSSLA

ClinVar aggregate classification (germline): Uncertain significance (1 of 4 stars; one submission).

Conditions:
Brugada syndrome 4 (BRGDA4). Identifiers: Orphanet 130, MedGen C2678477, MONDO:0012743, OMIM 611876.

gnomAD v4.1: 11 of 1,613,618 alleles (0.00068%); highest among the groups gnomAD compares: Non-Finnish European, 0.00085%; no homozygotes.

Submission:

Labcorp Genetics (formerly Invitae), Labcorp
Classification: Uncertain significance for Brugada syndrome 4. Last evaluated: 2025-04-17. Review status: criteria provided, single submitter. Criteria: Invitae Variant Classification Sherloc (09022015). Collection method: clinical testing. Allele origin: germline.
Comment: This sequence change replaces isoleucine, which is neutral and non-polar, with valine, which is neutral and non-polar, at codon 288 of the CACNB2 protein (p.Ile288Val). This variant is not present in population databases (gnomAD no frequency). This variant has not been reported in the literature in individuals affected with CACNB2-related conditions. Invitae Evidence Modeling of protein sequence and biophysical properties (such as structural, functional, and spatial information, amino acid conservation, physicochemical variation, residue mobility, and thermodynamic stability) indicates that this missense variant is not expected to disrupt CACNB2 protein function with a negative predictive value of 80%. In summary, the available evidence is currently insufficient to determine the role of this variant in disease. Therefore, it has been classified as a Variant of Uncertain Significance.